The following is an entry in ClinVar:

ClinVar aggregate classification (germline): Uncertain significance (1 of 4 stars; one submission).

Conditions:
Hereditary cancer-predisposing syndrome. Also called: Tumor predisposition; Neoplastic Syndromes, Hereditary; Hereditary neoplastic syndrome; Hereditary Cancer Syndrome. Identifiers: Orphanet 140162, MedGen C0027672, MeSH D009386, MONDO:0015356.

Submission:

Ambry Genetics
Classification: Uncertain significance for Hereditary cancer-predisposing syndrome. Last evaluated: 2025-08-27. Review status: criteria provided, single submitter. Criteria: Ambry Variant Classification Scheme 2023. Collection method: clinical testing. Allele origin: germline.
Comment: The p.P334R variant (also known as c.1001C>G), located in coding exon 12 of the MUTYH gene, results from a C to G substitution at nucleotide position 1001. The proline at codon 334 is replaced by arginine, an amino acid with dissimilar properties. This amino acid position is conserved. In addition, this alteration is predicted to be tolerated by in silico analysis. Based on the available evidence, the clinical significance of this variant remains unclear.

NM_001048174.2(MUTYH):c.917C>G (p.Pro306Arg)

Gene: MUTYH (mutY DNA glycosylase; minus strand). Cytogenetic location: 1p34.1.
Variant type: single nucleotide variant.
Coding change: c.917C>G on transcript NM_001048174.2 (MANE Select); coding-DNA position 917, C replaced by G.
Protein change: p.Pro306Arg; replaces proline 306 with arginine.
Molecular consequence: missense variant. On other transcripts: non-coding transcript variant (7).
Genome position (GRCh38, 1-based): chr1:45,331,846, G>C on the plus strand (C>G on the coding strand, the complement: MUTYH is on the minus strand). VCF-style: chr1-45331846-G-C. GRCh37 (hg19) VCF-style: chr1-45797518-G-C.
Other names: c.917C>G, p.Pro306Arg (NM_001048171.2, NM_001048173.2, NM_001407081.1 and 6 more transcripts); c.920C>G, p.Pro307Arg (NM_001048172.2, NM_001407078.1, NM_001407086.1 and 1 more transcripts); c.1001C>G, p.Pro334Arg (NM_001128425.2); c.962C>G, p.Pro321Arg (NM_001293190.2); c.950C>G, p.Pro317Arg (NM_001293191.2, NM_001407077.1, NM_001407069.1); c.641C>G, p.Pro214Arg (NM_001293192.2, NM_001293196.2, NM_001407091.1); c.833C>G, p.Pro278Arg (NM_001407075.1); c.878C>G, p.Pro293Arg (NM_001407079.1); and 5 more; short protein forms P293R, P307R, P313R, P317R, P292R, P306R, P331R, P334R.
Identifiers: ClinVar variation 4112907 (VCV004112907.1).